The following is an entry in ClinVar:

NM_001458.5(FLNC):c.-230C>A

Gene: FLNC (filamin C; plus strand). Cytogenetic location: 7q32.1.
Variant type: single nucleotide variant.
Coding change: c.-230C>A on transcript NM_001458.5 (MANE Select); 230 bases upstream of the start codon, C replaced by A.
Molecular consequence: 5 prime UTR variant.
Genome position (GRCh38, 1-based): chr7:128,830,408, C>A. VCF-style: chr7-128830408-C-A. GRCh37 (hg19) VCF-style: chr7-128470462-C-A.
Other names: c.-230C>A (NM_001127487.2).
Identifiers: ClinVar variation 680197 (VCV000680197.2), dbSNP rs2472290, ClinGen allele CA166206609.

ClinVar aggregate classification (germline): Benign. Review status: criteria provided, multiple submitters, no conflicts (2 of 4 stars). 2 submissions from 2 submitters: Benign (2). Last evaluated 2018-06-14.

Allele frequency attached by ClinVar (database versions not stated): 1000 Genomes Project 0.99860; 1000 Genomes Project 30x 1.00000; gnomAD 1.00000; TOPMed 1.00000.

Submissions (2):

GeneDx
Classification: Benign. Last evaluated: 2018-06-14. Review status: criteria provided, single submitter. Criteria: GeneDx Variant Classification (06012015). Collection method: clinical testing. Allele origin: germline. Affected: yes.
Comment: This variant is considered likely benign or benign based on one or more of the following criteria: it is a conservative change, it occurs at a poorly conserved position in the protein, it is predicted to be benign by multiple in silico algorithms, and/or has population frequency not consistent with disease.

Breakthrough Genomics
Classification: Benign. Review status: criteria provided, single submitter. Criteria: ACMG Guidelines, 2015. Collection method: not provided. Allele origin: germline. Inheritance: Autosomal dominant inheritance. Affected: yes.